The following is an entry in ClinVar:

NM_004667.6(HERC2):c.13473G>C (p.Glu4491Asp)

Gene: HERC2 (HECT and RLD domain containing E3 ubiquitin protein ligase 2; minus strand). Cytogenetic location: 15q13.1.
Variant type: single nucleotide variant.
Coding change: c.13473G>C on transcript NM_004667.6 (MANE Select); coding-DNA position 13473, G replaced by C.
Protein change: p.Glu4491Asp; replaces glutamic acid 4491 with aspartic acid.
Molecular consequence: missense variant.
Genome position (GRCh38, 1-based): chr15:28,116,801, C>G on the plus strand (G>C on the coding strand, the complement: HERC2 is on the minus strand). VCF-style: chr15-28116801-C-G. GRCh37 (hg19) VCF-style: chr15-28361947-C-G.
Other names: short protein forms E4491D.
Identifiers: ClinVar variation 3603269 (VCV003603269.1).

ClinVar aggregate classification (germline): Uncertain significance (1 of 4 stars; one submission).

Conditions:
Developmental delay with autism spectrum disorder and gait instability (MRT38). Also called: Intellectual developmental disorder, autosomal recessive 38. Identifiers: Orphanet 329195, MedGen C3809753, MONDO:0014224, OMIM 615516.

Submission:

Neuberg Centre For Genomic Medicine, NCGM
Classification: Uncertain significance for Developmental delay with autism spectrum disorder and gait instability. Last evaluated: 2023-06-22. Review status: criteria provided, single submitter. Criteria: ACMG Guidelines, 2015. Collection method: clinical testing. Allele origin: germline. Inheritance: Autosomal recessive inheritance. Affected: yes.
Comment: The observed missense c.13473G>C (p.Glu4491Asp) variant in HERC2 gene has not been reported previously as a pathogenic variant nor as a benign variant, to our knowledge. The p.Glu4491Asp variant is absent in gnomAD Exomes. This variant has not been submitted to the ClinVar database. Multiple lines of computational evidence (Polyphen - Benign, SIFT - Tolerated and MutationTaster - Disease causing) predicts conflicting evidence on protein structure and function for this variant. The reference amino acid at this position on HERC2 gene is predicted as conserved by PhyloP across 100 vertebrates. The amino acid Glu at position 4491 is changed to a Asp changing protein sequence and it might alter its composition and physico-chemical properties. For these reasons, this variant has been classified as Variant of Uncertain Significance (VUS).